The following is an entry in ClinVar:

ClinVar aggregate classification (germline): Uncertain significance. Review status: criteria provided, multiple submitters, no conflicts (2 of 4 stars). 2 submissions from 2 submitters: Uncertain significance (2). Last evaluated 2024-06-07.

Conditions:
Bethlem myopathy 1A. Also called: MYOPATHY, BENIGN CONGENITAL, WITH CONTRACTURES; Bethlem Muscular Dystrophy; Bethlem myopathy 1. Identifiers: Orphanet 610, MedGen CN029274, MONDO:0024530, OMIM 158810.

Allele frequency attached by ClinVar (database versions not stated): gnomAD exomes below 0.00001.
gnomAD v4.1: 5 of 1,600,654 alleles (0.00031%); highest among the groups gnomAD compares: Middle Eastern, 0.017%; no homozygotes.

Submissions (2):

Revvity Omics, Revvity
Classification: Uncertain significance. Last evaluated: 2024-06-07. Review status: criteria provided, single submitter. Criteria: ACMG Guidelines, 2015. Collection method: clinical testing. Allele origin: germline.

Labcorp Genetics (formerly Invitae), Labcorp
Classification: Uncertain significance for Bethlem myopathy 1A. Last evaluated: 2023-10-22. Review status: criteria provided, single submitter. Criteria: Invitae Variant Classification Sherloc (09022015). Collection method: clinical testing. Allele origin: germline.
Comment: This sequence change replaces serine, which is neutral and polar, with proline, which is neutral and non-polar, at codon 915 of the COL6A2 protein (p.Ser915Pro). This variant is not present in population databases (gnomAD no frequency). This variant has not been reported in the literature in individuals affected with COL6A2-related conditions. ClinVar contains an entry for this variant (Variation ID: 1360198). Advanced modeling of protein sequence and biophysical properties (such as structural, functional, and spatial information, amino acid conservation, physicochemical variation, residue mobility, and thermodynamic stability) performed at Invitae indicates that this missense variant is not expected to disrupt COL6A2 protein function. In summary, the available evidence is currently insufficient to determine the role of this variant in disease. Therefore, it has been classified as a Variant of Uncertain Significance.

NM_001849.4(COL6A2):c.2743T>C (p.Ser915Pro)

Gene: COL6A2 (collagen type VI alpha 2 chain; plus strand). Cytogenetic location: 21q22.3.
Variant type: single nucleotide variant.
Coding change: c.2743T>C on transcript NM_001849.4 (MANE Select); coding-DNA position 2743, T replaced by C.
Protein change: p.Ser915Pro; replaces serine 915 with proline.
Molecular consequence: missense variant.
Genome position (GRCh38, 1-based): chr21:46,132,235, T>C. VCF-style: chr21-46132235-T-C. GRCh37 (hg19) VCF-style: chr21-47552149-T-C.
Other names: short protein forms S915P.
Identifiers: ClinVar variation 1360198 (VCV001360198.9), dbSNP rs1290912034, ClinGen allele CA410549460.